The following is an entry in ClinVar:

NM_004356.4(CD81):c.660G>C (p.Met220Ile)

Gene: CD81 (CD81 molecule; plus strand). Cytogenetic location: 11p15.5.
Variant type: single nucleotide variant.
Coding change: c.660G>C on transcript NM_004356.4 (MANE Select); coding-DNA position 660, G replaced by C.
Protein change: p.Met220Ile; replaces methionine 220 with isoleucine.
Molecular consequence: missense variant.
Genome position (GRCh38, 1-based): chr11:2,396,815, G>C. VCF-style: chr11-2396815-G-C. GRCh37 (hg19) VCF-style: chr11-2418045-G-C.
Other names: c.447G>C, p.Met149Ile (NM_001297649.2); short protein forms M220I, M149I.
Identifiers: ClinVar variation 1482504 (VCV001482504.8), dbSNP rs371516232, ClinGen allele CA379125453.

ClinVar aggregate classification (germline): Uncertain significance (1 of 4 stars; one submission).

Submission:

Labcorp Genetics (formerly Invitae), Labcorp
Classification: Uncertain significance. Last evaluated: 2021-02-19. Review status: criteria provided, single submitter. Criteria: Invitae Variant Classification Sherloc (09022015). Collection method: clinical testing. Allele origin: germline.
Comment: This sequence change replaces methionine with isoleucine at codon 220 of the CD81 protein (p.Met220Ile). The methionine residue is highly conserved and there is a small physicochemical difference between methionine and isoleucine. This variant is not present in population databases (ExAC no frequency). This variant has not been reported in the literature in individuals with CD81-related conditions. Algorithms developed to predict the effect of missense changes on protein structure and function are either unavailable or do not agree on the potential impact of this missense change (SIFT: "Tolerated"; PolyPhen-2: "Possibly Damaging"; Align-GVGD: "Class C0"). In summary, the available evidence is currently insufficient to determine the role of this variant in disease. Therefore, it has been classified as a Variant of Uncertain Significance.